The following is an entry in ClinVar:

ClinVar aggregate classification (germline): Uncertain significance (1 of 4 stars; one submission).

Conditions:
Inborn genetic diseases. Identifiers: MedGen C0950123, MeSH D030342.

gnomAD v4.1: 28 of 1,613,676 alleles (0.0017%); highest among the groups gnomAD compares: South Asian, 0.011%; no homozygotes.

Submission:

Ambry Genetics
Classification: Uncertain significance for Inborn genetic diseases. Last evaluated: 2025-11-19. Review status: criteria provided, single submitter. Criteria: Ambry Variant Classification Scheme 2023. Collection method: clinical testing. Allele origin: germline.
Comment: The c.964G>A (p.G322R) alteration is located in exon 7 (coding exon 6) of the D2HGDH gene. This alteration results from a G to A substitution at nucleotide position 964, causing the glycine (G) at amino acid position 322 to be replaced by an arginine (R). Based on data from gnomAD, the A allele has an overall frequency of <0.001% (1/250168) total alleles studied. The highest observed frequency was 0.003% (1/30614) of South Asian alleles. Based on insufficient or conflicting evidence, the clinical significance of this alteration remains unclear.

NM_152783.5(D2HGDH):c.964G>A (p.Gly322Arg)

Gene: D2HGDH (D-2-hydroxyglutarate dehydrogenase; plus strand). Cytogenetic location: 2q37.3.
Variant type: single nucleotide variant.
Coding change: c.964G>A on transcript NM_152783.5 (MANE Select); coding-DNA position 964, G replaced by A.
Protein change: p.Gly322Arg; replaces glycine 322 with arginine.
Molecular consequence: missense variant.
Genome position (GRCh38, 1-based): chr2:241,750,261, G>A. VCF-style: chr2-241750261-G-A. GRCh37 (hg19) VCF-style: chr2-242689676-G-A.
Other names: c.562G>A, p.Gly188Arg (NM_001287249.2); c.403G>A, p.Gly135Arg (NM_001352824.2); short protein forms G322R, G135R, G188R.
Identifiers: ClinVar variation 4616904 (VCV004616904.1).
Genomic context (GRCh38, chr2:241,750,261, plus strand): 5'-ATGCTGGGTGAGATCCTGTCTGCATTCGAGTTCATGGATGCTGTGTGCATGCAGCTGGTC[G>A]GGCGCCATCTCCACCTGGCCAGCCCGGTGCAAGGTACTGACCCCCCACACAGGGGGCAGC-3'
Protein context (NP_689996.4, residues 312-332): FMDAVCMQLV[Gly322Arg]RHLHLASPVQ